The following is an entry in ClinVar:

NM_033100.4(CDHR1):c.*2798G>A

Gene: CDHR1 (cadherin related family member 1; plus strand). Cytogenetic location: 10q23.1.
Variant type: single nucleotide variant.
Coding change: c.*2798G>A on transcript NM_033100.4 (MANE Select); 2798 bases downstream of the stop codon, G replaced by A.
Molecular consequence: 3 prime UTR variant. On other transcripts: intron variant (1).
Genome position (GRCh38, 1-based): chr10:84,217,419, G>A. VCF-style: chr10-84217419-G-A. GRCh37 (hg19) VCF-style: chr10-85977175-G-A.
Other names: c.2041-1660G>A (NM_001171971.3).
Identifiers: ClinVar variation 877162 (VCV000877162.5), dbSNP rs10509491, ClinGen allele CA13225807.

ClinVar aggregate classification (germline): Benign. Review status: criteria provided, multiple submitters, no conflicts (2 of 4 stars). 2 submissions from 2 submitters: Benign (2). Last evaluated 2018-01-12.

Conditions:
Cone-rod dystrophy 15 (CORD15). Identifiers: MedGen C3150912, MONDO:0013348, OMIM 613660.

Allele frequency attached by ClinVar (database versions not stated): gnomAD exomes 0.47608; 1000 Genomes Project 0.55411; gnomAD 0.55459 and 0.56109; 1000 Genomes Project 30x 0.55668; TOPMed 0.57197.
gnomAD v4.1: 480,998 of 984,874 alleles (49%); highest among the groups gnomAD compares: African/African-American, 78%; 120,143 homozygotes.

Submissions (2):

Illumina Laboratory Services, Illumina
Classification: Benign for Cone-rod dystrophy 15. Last evaluated: 2018-01-12. Review status: criteria provided, single submitter. Criteria: ICSL Variant Classification Criteria 13 December 2019. Collection method: clinical testing. Allele origin: germline.
Comment: This variant was observed in the ICSL laboratory as part of a predisposition screen in an ostensibly healthy population. It had not been previously curated by ICSL or reported in the Human Gene Mutation Database (HGMD: prior to June 1st, 2018), and was therefore a candidate for classification through an automated scoring system. Utilizing variant allele frequency, disease prevalence and penetrance estimates, and inheritance mode, an automated score was calculated to assess if this variant is too frequent to cause the disease. Based on the score and internal cut-off values, a variant classified as benign is not then subjected to further curation. The score for this variant resulted in a classification of benign for this disease.

Breakthrough Genomics
Classification: Benign. Review status: criteria provided, single submitter. Criteria: ACMG Guidelines, 2015. Collection method: not provided. Allele origin: germline. Inheritance: Autosomal recessive inheritance. Affected: yes.